The following is an entry in ClinVar:

NM_007194.4(CHEK2):c.1010A>G (p.Tyr337Cys)

Gene: CHEK2 (checkpoint kinase 2; minus strand). Cytogenetic location: 22q12.1.
Variant type: single nucleotide variant.
Coding change: c.1010A>G on transcript NM_007194.4 (MANE Select); coding-DNA position 1010, A replaced by G.
Protein change: p.Tyr337Cys; replaces tyrosine 337 with cysteine.
Molecular consequence: missense variant. On other transcripts: intron variant (3).
Genome position (GRCh38, 1-based): chr22:28,696,986, T>C on the plus strand (A>G on the coding strand, the complement: CHEK2 is on the minus strand). VCF-style: chr22-28696986-T-C. GRCh37 (hg19) VCF-style: chr22-29092974-T-C.
Other names: c.1139A>G, p.Tyr380Cys (NM_001005735.3); c.347A>G, p.Tyr116Cys (NM_001257387.3, NM_001437942.1); c.809A>G, p.Tyr270Cys (NM_001349956.3); c.1103A>G, p.Tyr368Cys (NM_001438293.1); c.1009-1113A>G (NM_145862.3); c.1102-1113A>G (NM_001438295.1); c.1138-1113A>G (NM_001438294.1); short protein forms Y337C, Y380C, Y116C, Y270C, Y368C.
Identifiers: ClinVar variation 530046 (VCV000530046.9), dbSNP rs1555914376, ClinGen allele CA411097856.

ClinVar aggregate classification (germline): Uncertain significance (1 of 4 stars; one submission).

Conditions:
Familial cancer of breast. Also called: BREAST CANCER, FAMILIAL; Hereditary breast cancer; hereditary breast carcinoma. Identifiers: Orphanet 227535, MedGen C0346153, MONDO:0016419, OMIM 114480. Disease mechanism: loss of function.

Submission:

Labcorp Genetics (formerly Invitae), Labcorp
Classification: Uncertain significance for Familial cancer of breast. Last evaluated: 2017-10-01. Review status: criteria provided, single submitter. Criteria: Invitae Variant Classification Sherloc (09022015). Collection method: clinical testing. Allele origin: germline.
Comment: This sequence change replaces tyrosine with cysteine at codon 337 of the CHEK2 protein (p.Tyr337Cys). The tyrosine residue is highly conserved and there is a large physicochemical difference between tyrosine and cysteine. This variant is not present in population databases (ExAC no frequency). This variant has not been reported in the literature in individuals with CHEK2-related disease. Algorithms developed to predict the effect of missense changes on protein structure and function do not agree on the potential impact of this missense change (SIFT: "Deleterious"; PolyPhen-2: "Probably Damaging"; Align-GVGD: "Class C0"). In summary, the available evidence is currently insufficient to determine the role of this variant in disease. Therefore, it has been classified as a Variant of Uncertain Significance.